The following is an entry in ClinVar:

NM_145239.3(PRRT2):c.955G>A (p.Val319Met)

Genes: MVP-DT (MVP divergent transcript; minus strand), PRRT2 (proline rich transmembrane protein 2; plus strand). Cytogenetic location: 16p11.2.
Variant type: single nucleotide variant.
Coding change: c.955G>A on transcript NM_145239.3 (MANE Select); coding-DNA position 955, G replaced by A.
Protein change: p.Val319Met; replaces valine 319 with methionine.
Molecular consequence: missense variant. On other transcripts: 3 prime UTR variant (1).
Genome position (GRCh38, 1-based): chr16:29,814,408, G>A. VCF-style: chr16-29814408-G-A. GRCh37 (hg19) VCF-style: chr16-29825729-G-A.
Other names: c.955G>A, p.Val319Met (NM_001256442.2); c.*454G>A (NM_001256443.2); short protein forms V319M.
Identifiers: ClinVar variation 1691572 (VCV001691572.7), dbSNP rs945627261, ClinGen allele CA280410955.
Genomic context (GRCh38, chr16:29,814,408, plus strand): 5'-CAGCAGGGGGACGTGGACGGGGCCCAGCGTCTGGGCCGGGTAGCCAAGCTCTTAAGCATC[G>A]TGGCGCTGGTGGGGGGAGTCCTCATCATCATCGCCTCCTGCGTCATCAACTTAGGCGGTG-3'
Protein context (NP_660282.2, residues 309-329): LGRVAKLLSI[Val319Met]ALVGGVLIII

ClinVar aggregate classification (germline): Uncertain significance. Review status: criteria provided, multiple submitters, no conflicts (2 of 4 stars). 2 submissions from 2 submitters: Uncertain significance (2). Last evaluated 2026-03-05.

Conditions:
Episodic kinesigenic dyskinesia (EKD). Also called: Paroxysmal kinesigenic dyskinesia. Identifiers: Orphanet 98809, MedGen C1868682, MONDO:0044202.

gnomAD v4.1: 2 of 1,609,432 alleles (0.00012%); highest among the groups gnomAD compares: South Asian, 0.0022%; 1 homozygote.

Submissions (2):

GeneDx
Classification: Uncertain significance. Last evaluated: 2026-03-05. Review status: criteria provided, single submitter. Criteria: GeneDx Variant Classification Process June 2021. Collection method: clinical testing. Allele origin: germline. Affected: yes.
Comment: Not observed at significant frequency in large population cohorts (gnomAD); In silico analysis suggests that this missense variant does not alter protein structure/function; Has not been previously published as pathogenic or benign to our knowledge

Labcorp Genetics (formerly Invitae), Labcorp
Classification: Uncertain significance for Episodic kinesigenic dyskinesia. Last evaluated: 2025-08-29. Review status: criteria provided, single submitter. Criteria: Invitae Variant Classification Sherloc (09022015). Collection method: clinical testing. Allele origin: germline.
Comment: This sequence change replaces valine, which is neutral and non-polar, with methionine, which is neutral and non-polar, at codon 319 of the PRRT2 protein (p.Val319Met). This variant is not present in population databases (gnomAD no frequency). This variant has not been reported in the literature in individuals affected with PRRT2-related conditions. ClinVar contains an entry for this variant (Variation ID: 1691572). Invitae Evidence Modeling of protein sequence and biophysical properties (such as structural, functional, and spatial information, amino acid conservation, physicochemical variation, residue mobility, and thermodynamic stability) indicates that this missense variant is expected to disrupt PRRT2 protein function with a positive predictive value of 80%. This variant disrupts the p.Val319 amino acid residue in PRRT2. Other variant(s) that disrupt this residue have been determined to be pathogenic (PMID: 32346475, 34298454; internal data). This suggests that this residue is clinically significant, and that variants that disrupt this residue are likely to be disease-causing. In summary, the available evidence is currently insufficient to determine the role of this variant in disease. Therefore, it has been classified as a Variant of Uncertain Significance.

Literature cited by the submitters: PubMed 32346475 (cited by Labcorp Genetics (formerly Invitae), Labcorp); PubMed 34298454 (cited by Labcorp Genetics (formerly Invitae), Labcorp).